The following is an entry in ClinVar:

NM_001734.5(C1S):c.843G>T (p.Lys281Asn)

Gene: C1S (complement C1s; plus strand). Cytogenetic location: 12p13.31.
Variant type: single nucleotide variant.
Coding change: c.843G>T on transcript NM_001734.5 (MANE Select); coding-DNA position 843, G replaced by T.
Protein change: p.Lys281Asn; replaces lysine 281 with asparagine.
Molecular consequence: missense variant.
Genome position (GRCh38, 1-based): chr12:7,065,942, G>T. VCF-style: chr12-7065942-G-T. GRCh37 (hg19) VCF-style: chr12-7173246-G-T.
Other names: c.342G>T, p.Lys114Asn (NM_001346850.2); c.843G>T, p.Lys281Asn (NM_201442.4); short protein forms K114N, K281N.
Identifiers: ClinVar variation 2001744 (VCV002001744.4), dbSNP rs2135725108, ClinGen allele CA383697855.

ClinVar aggregate classification (germline): Uncertain significance (1 of 4 stars; one submission).

Submission:

Labcorp Genetics (formerly Invitae), Labcorp
Classification: Uncertain significance. Last evaluated: 2022-10-05. Review status: criteria provided, single submitter. Criteria: Invitae Variant Classification Sherloc (09022015). Collection method: clinical testing. Allele origin: germline.
Comment: In summary, the available evidence is currently insufficient to determine the role of this variant in disease. Therefore, it has been classified as a Variant of Uncertain Significance. Algorithms developed to predict the effect of sequence changes on RNA splicing suggest that this variant may create or strengthen a splice site. Advanced modeling of protein sequence and biophysical properties (such as structural, functional, and spatial information, amino acid conservation, physicochemical variation, residue mobility, and thermodynamic stability) performed at Invitae indicates that this missense variant is not expected to disrupt C1S protein function. This variant has not been reported in the literature in individuals affected with C1S-related conditions. This variant is not present in population databases (gnomAD no frequency). This sequence change replaces lysine, which is basic and polar, with asparagine, which is neutral and polar, at codon 281 of the C1S protein (p.Lys281Asn).